The following is an entry in ClinVar:

NM_005859.5(PURA):c.330C>T (p.Phe110=)

Gene: PURA (purine rich element binding protein A; plus strand). Cytogenetic location: 5q31.3.
Variant type: single nucleotide variant.
Coding change: c.330C>T on transcript NM_005859.5 (MANE Select); coding-DNA position 330, C replaced by T.
Protein change: p.Phe110=; no amino-acid change (phenylalanine 110 retained).
Molecular consequence: synonymous variant.
Genome position (GRCh38, 1-based): chr5:140,114,511, C>T. VCF-style: chr5-140114511-C-T. GRCh37 (hg19) VCF-style: chr5-139494096-C-T.
Identifiers: ClinVar variation 3649920 (VCV003649920.2).
Genomic context (GRCh38, chr5:140,114,511, plus strand): 5'-GGTGGGCGCGGGCGGCAACAAGAGCCGCCTTACTCTCTCCATGTCAGTGGCCGTGGAGTT[C>T]CGCGACTACCTGGGCGACTTCATCGAGCACTACGCGCAGCTGGGCCCCAGCCAGCCGCCG-3'
Protein context (NP_005850.1, residues 100-120): LTLSMSVAVE[Phe110=]RDYLGDFIEH

ClinVar aggregate classification (germline): Uncertain significance (1 of 4 stars; one submission).

Conditions:
PURA-related severe neonatal hypotonia-seizures-encephalopathy syndrome (NEDRIHF). Also called: PURA-Related Neurodevelopmental Disorders; NEURODEVELOPMENTAL DISORDER WITH NEONATAL RESPIRATORY INSUFFICIENCY, HYPOTONIA, AND FEEDING DIFFICULTIES. Identifiers: Orphanet 438213, Orphanet 438216, MedGen C4015357, MONDO:1060108, OMIM 616158, MONDO:0018580.

Submission:

Labcorp Genetics (formerly Invitae), Labcorp
Classification: Uncertain significance for PURA-related severe neonatal hypotonia-seizures-encephalopathy syndrome. Last evaluated: 2024-04-15. Review status: criteria provided, single submitter. Criteria: Invitae Variant Classification Sherloc (09022015). Collection method: clinical testing. Allele origin: germline.
Comment: This sequence change affects codon 110 of the PURA mRNA. It is a 'silent' change, meaning that it does not change the encoded amino acid sequence of the PURA protein. This variant is not present in population databases (gnomAD no frequency). This variant has not been reported in the literature in individuals affected with PURA-related conditions. In summary, the available evidence is currently insufficient to determine the role of this variant in disease. Therefore, it has been classified as a Variant of Uncertain Significance.